The following is an entry in ClinVar:

ClinVar aggregate classification (germline): Uncertain significance (1 of 4 stars; one submission).

Allele frequency attached by ClinVar (database versions not stated): gnomAD 0.00001.

Submission:

Labcorp Genetics (formerly Invitae), Labcorp
Classification: Uncertain significance. Last evaluated: 2024-12-24. Review status: criteria provided, single submitter. Criteria: Invitae Variant Classification Sherloc (09022015). Collection method: clinical testing. Allele origin: germline.
Comment: This sequence change replaces proline, which is neutral and non-polar, with alanine, which is neutral and non-polar, at codon 1420 of the TOP2B protein (p.Pro1420Ala). This variant is present in population databases (no rsID available, gnomAD 0.007%). This variant has not been reported in the literature in individuals affected with TOP2B-related conditions. ClinVar contains an entry for this variant (Variation ID: 2894075). An algorithm developed to predict the effect of missense changes on protein structure and function (PolyPhen-2) suggests that this variant is likely to be disruptive. In summary, the available evidence is currently insufficient to determine the role of this variant in disease. Therefore, it has been classified as a Variant of Uncertain Significance.

NM_001330700.2(TOP2B):c.4273C>G (p.Pro1425Ala)

Gene: TOP2B (DNA topoisomerase II beta; minus strand). Cytogenetic location: 3p24.2.
Variant type: single nucleotide variant.
Coding change: c.4273C>G on transcript NM_001330700.2 (MANE Select); coding-DNA position 4273, C replaced by G.
Protein change: p.Pro1425Ala; replaces proline 1425 with alanine.
Molecular consequence: missense variant.
Genome position (GRCh38, 1-based): chr3:25,607,196, G>C on the plus strand (C>G on the coding strand, the complement: TOP2B is on the minus strand). VCF-style: chr3-25607196-G-C. GRCh37 (hg19) VCF-style: chr3-25648687-G-C.
Other names: c.4258C>G, p.Pro1420Ala (NM_001068.3); short protein forms P1425A, P1420A.
Identifiers: ClinVar variation 2894075 (VCV002894075.3), dbSNP rs1354851315, ClinGen allele CA351892296.
Genomic context (GRCh38, chr3:25,607,196, plus strand): 5'-TTAACTATACCACATCACTAAATAGCATTACTTACTCTGGAGTGGCTTTTGATTTGCCTG[G>C]TGAAAATGTATATTCATCTTTATCTAACCCATCTGAAGGAACAAATTCATCTTCCCCATC-3'
Protein context (NP_001317629.1, residues 1415-1435): GLDKDEYTFS[Pro1425Ala]GKSKATPEKS